The following is an entry in ClinVar:

ClinVar aggregate classification (germline): Uncertain significance. Review status: criteria provided, multiple submitters, no conflicts (2 of 4 stars). 2 submissions from 2 submitters: Uncertain significance (2). Last evaluated 2025-06-12.

Conditions:
Cerebral palsy, spastic quadriplegic, 2 (CPSQ2). Identifiers: Orphanet 210141, MedGen C2752061, MONDO:0013033, OMIM 612900.

Allele frequency attached by ClinVar (database versions not stated): gnomAD exomes 0.00012; 1000 Genomes Project 30x 0.00016; ExAC 0.00016; 1000 Genomes Project 0.00020; ESP Exome Variant Server 0.00077.
gnomAD v4.1: 127 of 1,614,162 alleles (0.0079%); highest among the groups gnomAD compares: African/African-American, 0.16%; no homozygotes.

Submissions (2):

Labcorp Genetics (formerly Invitae), Labcorp
Classification: Uncertain significance. Last evaluated: 2025-06-12. Review status: criteria provided, single submitter. Criteria: Invitae Variant Classification Sherloc (09022015). Collection method: clinical testing. Allele origin: germline.
Comment: This sequence change replaces arginine, which is basic and polar, with serine, which is neutral and polar, at codon 420 of the KANK1 protein (p.Arg420Ser). This variant is present in population databases (rs150303132, gnomAD 0.1%), and has an allele count higher than expected for a pathogenic variant. This variant has not been reported in the literature in individuals affected with KANK1-related conditions. ClinVar contains an entry for this variant (Variation ID: 1434977). Invitae Evidence Modeling of protein sequence and biophysical properties (such as structural, functional, and spatial information, amino acid conservation, physicochemical variation, residue mobility, and thermodynamic stability) indicates that this missense variant is not expected to disrupt KANK1 protein function with a negative predictive value of 80%. In summary, the available evidence is currently insufficient to determine the role of this variant in disease. Therefore, it has been classified as a Variant of Uncertain Significance.

Fulgent Genetics
Classification: Uncertain significance for Cerebral palsy, spastic quadriplegic, 2. Last evaluated: 2021-07-07. Review status: criteria provided, single submitter. Criteria: ACMG Guidelines, 2015. Collection method: clinical testing. Allele origin: unknown.

NM_015158.5(KANK1):c.1260G>C (p.Arg420Ser)

Gene: KANK1 (KN motif and ankyrin repeat domains 1; plus strand). Cytogenetic location: 9p24.3.
Variant type: single nucleotide variant.
Coding change: c.1260G>C on transcript NM_015158.5 (MANE Select); coding-DNA position 1260, G replaced by C.
Protein change: p.Arg420Ser; replaces arginine 420 with serine.
Molecular consequence: missense variant. On other transcripts: non-coding transcript variant (1).
Genome position (GRCh38, 1-based): chr9:712,026, G>C. VCF-style: chr9-712026-G-C. GRCh37 (hg19) VCF-style: chr9-712026-G-C.
Other names: c.1260G>C, p.Arg420Ser (NM_001256876.3, NM_001256877.3, NM_001354331.2 and 2 more transcripts); c.786G>C, p.Arg262Ser (NM_001354333.2, NM_001354335.2, NM_001354336.2 and 9 more transcripts); short protein forms R262S, R420S.
Identifiers: ClinVar variation 1434977 (VCV001434977.9), dbSNP rs150303132, ClinGen allele CA4960171.